The following is an entry in ClinVar:

ClinVar aggregate classification (germline): Uncertain significance (1 of 4 stars; one submission).

Conditions:
Cardiomyopathy (CMYO). Also called: Cardiomyopathies. Identifiers: Orphanet 167848, MedGen C0878544, MONDO:0004994, HP:0001638. Inheritance: Various modes of inheritance.

Submission:

Color Diagnostics, LLC DBA Color Health
Classification: Uncertain significance for Cardiomyopathy. Last evaluated: 2023-05-08. Review status: criteria provided, single submitter. Criteria: ACMG Guidelines, 2015. Collection method: clinical testing. Allele origin: germline.
Comment: This missense variant replaces alanine with valine at codon 2335 of the DSP protein. Computational prediction is inconclusive regarding the impact of this variant on protein structure and function (internally defined REVEL score threshold 0.5 < inconclusive < 0.7, PMID: 27666373). To our knowledge, functional studies have not been reported for this variant. This variant has not been reported in individuals affected with DSP-related disorders in the literature. This variant has not been identified in the general population by the Genome Aggregation Database (gnomAD). The available evidence is insufficient to determine the role of this variant in disease conclusively. Therefore, this variant is classified as a Variant of Uncertain Significance.

NM_004415.4(DSP):c.7004C>T (p.Ala2335Val)

Gene: DSP (desmoplakin; plus strand). Cytogenetic location: 6p24.3.
Variant type: single nucleotide variant.
Coding change: c.7004C>T on transcript NM_004415.4 (MANE Select); coding-DNA position 7004, C replaced by T.
Protein change: p.Ala2335Val; replaces alanine 2335 with valine.
Molecular consequence: missense variant.
Genome position (GRCh38, 1-based): chr6:7,584,266, C>T. VCF-style: chr6-7584266-C-T. GRCh37 (hg19) VCF-style: chr6-7584499-C-T.
Other names: c.5207C>T, p.Ala1736Val (NM_001008844.3); c.5675C>T, p.Ala1892Val (NM_001319034.2); short protein forms A1892V, A2335V, A1736V.
Identifiers: ClinVar variation 2775356 (VCV002775356.2), dbSNP rs2533943481, ClinGen allele CA362692022.